The following is an entry in ClinVar:

ClinVar aggregate classification (germline): Uncertain significance (1 of 4 stars; one submission).

Conditions:
Dilated cardiomyopathy 1JJ (CMD1JJ). Identifiers: Orphanet 154, MedGen C3808935, MONDO:0014095, OMIM 615235.

Submission:

Labcorp Genetics (formerly Invitae), Labcorp
Classification: Uncertain significance for Dilated cardiomyopathy 1JJ. Last evaluated: 2020-10-10. Review status: criteria provided, single submitter. Criteria: Invitae Variant Classification Sherloc (09022015). Collection method: clinical testing. Allele origin: germline.
Comment: In summary, the available evidence is currently insufficient to determine the role of this variant in disease. Therefore, it has been classified as a Variant of Uncertain Significance. Algorithms developed to predict the effect of missense changes on protein structure and function output the following: SIFT: "Tolerated"; PolyPhen-2: "Benign"; Align-GVGD: "Class C0". The isoleucine amino acid residue is found in multiple mammalian species, suggesting that this missense change does not adversely affect protein function. These predictions have not been confirmed by published functional studies and their clinical significance is uncertain. This variant has not been reported in the literature in individuals with LAMA4-related conditions. This variant is not present in population databases (ExAC no frequency). This sequence change replaces threonine with isoleucine at codon 536 of the LAMA4 protein (p.Thr536Ile). The threonine residue is moderately conserved and there is a moderate physicochemical difference between threonine and isoleucine.

NM_001105206.3(LAMA4):c.1628C>T (p.Thr543Ile)

Gene: LAMA4 (laminin subunit alpha 4; minus strand). Cytogenetic location: 6q21.
Variant type: single nucleotide variant.
Coding change: c.1628C>T on transcript NM_001105206.3 (MANE Select); coding-DNA position 1628, C replaced by T.
Protein change: p.Thr543Ile; replaces threonine 543 with isoleucine.
Molecular consequence: missense variant.
Genome position (GRCh38, 1-based): chr6:112,165,200, G>A on the plus strand (C>T on the coding strand, the complement: LAMA4 is on the minus strand). VCF-style: chr6-112165200-G-A. GRCh37 (hg19) VCF-style: chr6-112486402-G-A.
Other names: c.1607C>T, p.Thr536Ile (NM_001105207.3, NM_002290.5); short protein forms T543I, T536I.
Identifiers: ClinVar variation 1036654 (VCV001036654.8), dbSNP rs1781313158, ClinGen allele CA365367723.